The following is an entry in ClinVar:

ClinVar aggregate classification (germline): Uncertain significance (0 of 4 stars; one submission).

Conditions:
SH2B1-related disorder. Also called: SH2B1-related condition.

Submission:

PreventionGenetics, part of Exact Sciences
Classification: Uncertain significance for SH2B1-related condition. Last evaluated: 2024-05-27. Review status: no assertion criteria provided. Collection method: clinical testing. Allele origin: germline.
Comment: The SH2B1 c.38C>T variant is predicted to result in the amino acid substitution p.Pro13Leu. To our knowledge, this variant has not been reported in the literature or in a large population database, indicating this variant is rare. At this time, the clinical significance of this variant is uncertain due to the absence of conclusive functional and genetic evidence.

NM_001387430.1(SH2B1):c.38C>T (p.Pro13Leu)

Gene: SH2B1 (SH2B adaptor protein 1; plus strand). Cytogenetic location: 16p11.2.
Variant type: single nucleotide variant.
Coding change: c.38C>T on transcript NM_001387430.1 (MANE Select); coding-DNA position 38, C replaced by T.
Protein change: p.Pro13Leu; replaces proline 13 with leucine.
Molecular consequence: missense variant. On other transcripts: intron variant (1).
Genome position (GRCh38, 1-based): chr16:28,866,132, C>T. VCF-style: chr16-28866132-C-T. GRCh37 (hg19) VCF-style: chr16-28877453-C-T.
Other names: c.38C>T, p.Pro13Leu (NM_001145795.2, NM_001145796.2, NM_001145797.2 and 4 more transcripts); c.-26-1242C>T (NM_001308294.2); short protein forms P13L.
Identifiers: ClinVar variation 3352802 (VCV003352802.1).